The following is an entry in ClinVar:

ClinVar aggregate classification (germline): Pathogenic/Likely pathogenic. Review status: criteria provided, multiple submitters, no conflicts (2 of 4 stars). 2 submissions from 2 submitters: Pathogenic (1); Likely pathogenic (1). Last evaluated 2025-04-14.

Conditions:
Hereditary cancer-predisposing syndrome. Also called: Neoplastic Syndromes, Hereditary; Hereditary neoplastic syndrome; Tumor predisposition; Hereditary Cancer Syndrome. Identifiers: Orphanet 140162, MedGen C0027672, MeSH D009386, MONDO:0015356.
Cardiovascular phenotype. Identifiers: MedGen CN230736.
Neurofibromatosis, type 1 (NF1). Also called: VON RECKLINGHAUSEN DISEASE; Peripheral type neurofibromatosis; NEUROFIBROMATOSIS, TYPE I, SOMATIC; Neurofibromatosis, type I. Identifiers: Orphanet 636, MedGen C0027831, MONDO:0018975, OMIM 162200. Disease mechanism: loss of function.

Submissions (5):

Ambry Genetics
Classification: Likely pathogenic for Cardiovascular phenotype; Hereditary cancer-predisposing syndrome. Last evaluated: 2025-04-14. Review status: criteria provided, single submitter. Criteria: Ambry Variant Classification Scheme 2023. Collection method: clinical testing. Allele origin: germline.
Comment: The c.7552+1G>A intronic variant results from a G to A substitution one nucleotide after coding exon 50 of the NF1 gene. This variant was reported in an individual who met clinical criteria for Neurofibromatosis type1 (Griffiths S et al. Fam Cancer, 2007;6:21-34). This variant is considered to be rare based on population cohorts in the Genome Aggregation Database (gnomAD). This nucleotide position is highly conserved in available vertebrate species. In silico splice site analysis predicts that this alteration will weaken the native splice donor site; however, direct evidence is insufficient at this time (Ambry internal data). Alterations that disrupt the canonical splice site are expected to cause aberrant splicing, resulting in an abnormal protein or a transcript that is subject to nonsense-mediated mRNA decay. As such, this alteration is classified as likely pathogenic.

Labcorp Genetics (formerly Invitae), Labcorp
Classification: Pathogenic for Neurofibromatosis, type 1. Last evaluated: 2020-08-26. Review status: criteria provided, single submitter. Criteria: Invitae Variant Classification Sherloc (09022015). Collection method: clinical testing. Allele origin: germline.
Comment: This variant has been observed in individual(s) with neurofibromatosis type I (PMID: 16944272). This sequence change affects a donor splice site in intron 50 of the NF1 gene. It is expected to disrupt RNA splicing and likely results in an absent or disrupted protein product. This variant is not present in population databases (ExAC no frequency). Donor and acceptor splice site variants typically lead to a loss of protein function (PMID: 16199547), and loss-of-function variants in NF1 are known to be pathogenic (PMID: 10712197, 23913538). For these reasons, this variant has been classified as Pathogenic.

Dr. Peter K. Rogan Lab, Western University
No classification provided (evidence only). Condition: Melanoma. Review status: no classification provided. Collection method: in vitro. Allele origin: not applicable. Functional consequence: retained intron. Not counted in ClinVar's aggregate classification.

Dr. Peter K. Rogan Lab, Western University
No classification provided (evidence only). Condition: Colon adenocarcinoma. Review status: no classification provided. Collection method: in vitro. Allele origin: not applicable. Functional consequence: retained intron. Not counted in ClinVar's aggregate classification.

MutSpliceDB: a database of splice sites variants effects on splicing, NIH
No classification provided (evidence only). Review status: no classification provided. Collection method: in vivo. Allele origin: not applicable. Functional consequence: retained intron. Not counted in ClinVar's aggregate classification.

Literature cited by the submitters: PubMed 16944272 (cited by Ambry Genetics and Labcorp Genetics (formerly Invitae), Labcorp); PubMed 16199547 (cited by Labcorp Genetics (formerly Invitae), Labcorp); PubMed 10712197 (cited by Labcorp Genetics (formerly Invitae), Labcorp); PubMed 23913538 (cited by Labcorp Genetics (formerly Invitae), Labcorp).

NM_001042492.3(NF1):c.7615+1G>A

Gene: NF1 (neurofibromin 1; plus strand). Cytogenetic location: 17q11.2.
Variant type: single nucleotide variant.
Coding change: c.7615+1G>A on transcript NM_001042492.3 (MANE Select); the canonical splice donor site of the intron after coding-DNA position 7615, G replaced by A.
Molecular consequence: splice donor variant.
Genome position (GRCh38, 1-based): chr17:31,352,415, G>A. VCF-style: chr17-31352415-G-A. GRCh37 (hg19) VCF-style: chr17-29679433-G-A.
Other names: c.7552+1G>A (NM_000267.4, NM_000267.3).
Identifiers: ClinVar variation 1074474 (VCV001074474.10), dbSNP rs1555536380, ClinGen allele CA399017902.
Genomic context (GRCh38, chr17:31,352,415, plus strand): 5'-GGAAATCCATGAGCCTGGACATGGGGCAACCTTCTCAGGCCAACACTAAGAAGTTGCTTG[G>A]TTAGTTTATCTAAATTATGTAGATTTTTTTTATTATTTAAAAAAATAGATATTTTTACTC-3'